The following is an entry in ClinVar:

ClinVar aggregate classification (germline): Uncertain significance. Review status: criteria provided, multiple submitters, no conflicts (2 of 4 stars). 4 submissions from 4 submitters: Uncertain significance (4). Last evaluated 2024-11-21.

Conditions:
Joubert syndrome 23 (JBTS23). Identifiers: Orphanet 475, MedGen C4084822, MONDO:0014664, OMIM 616490.
Short-rib thoracic dysplasia 14 with polydactyly (SRTD14). Identifiers: Orphanet 397715, MedGen C4225286, MONDO:0014688, OMIM 616546.
Inborn genetic diseases. Identifiers: MedGen C0950123, MeSH D030342.

Allele frequency attached by ClinVar (database versions not stated): TOPMed 0.00008; gnomAD 0.00011 and 0.00012; ESP Exome Variant Server 0.00026.
gnomAD v4.1: 195 of 1,593,292 alleles (0.012%); highest among the groups gnomAD compares: South Asian, 0.034%; 1 homozygote.

Submissions (4):

Blueprint Genetics
Classification: Uncertain significance. Last evaluated: 2024-11-21. Review status: criteria provided, single submitter. Criteria: ACMG Guidelines, 2015. Collection method: clinical testing. Allele origin: germline.

Labcorp Genetics (formerly Invitae), Labcorp
Classification: Uncertain significance for Joubert syndrome 23; Short-rib thoracic dysplasia 14 with polydactyly. Last evaluated: 2022-10-04. Review status: criteria provided, single submitter. Criteria: Invitae Variant Classification Sherloc (09022015). Collection method: clinical testing. Allele origin: germline.
Comment: This sequence change replaces threonine, which is neutral and polar, with isoleucine, which is neutral and non-polar, at codon 84 of the KIAA0586 protein (p.Thr84Ile). This variant is present in population databases (rs201393625, gnomAD 0.03%). This variant has not been reported in the literature in individuals affected with KIAA0586-related conditions. ClinVar contains an entry for this variant (Variation ID: 1004943). Algorithms developed to predict the effect of missense changes on protein structure and function are either unavailable or do not agree on the potential impact of this missense change (SIFT: "Deleterious"; PolyPhen-2: "Possibly Damaging"; Align-GVGD: "Class C0"). Algorithms developed to predict the effect of sequence changes on RNA splicing suggest that this variant may disrupt the consensus splice site. In summary, the available evidence is currently insufficient to determine the role of this variant in disease. Therefore, it has been classified as a Variant of Uncertain Significance.

Ambry Genetics
Classification: Uncertain significance for Inborn genetic diseases. Last evaluated: 2021-06-04. Review status: criteria provided, single submitter. Criteria: Ambry Variant Classification Scheme 2023. Collection method: clinical testing. Allele origin: germline.

GeneDx
Classification: Uncertain significance. Last evaluated: 2019-08-12. Review status: criteria provided, single submitter. Criteria: GeneDx Variant Classification Process June 2021. Collection method: clinical testing. Allele origin: germline. Affected: yes.
Comment: In silico analysis, which includes protein predictors and evolutionary conservation, supports a deleterious effect; Has not been previously published as pathogenic or benign to our knowledge

NM_001329943.3(KIAA0586):c.215C>T (p.Thr72Ile)

Gene: KIAA0586 (KIAA0586; plus strand). Cytogenetic location: 14q23.1.
Variant type: single nucleotide variant.
Coding change: c.215C>T on transcript NM_001329943.3 (MANE Select); coding-DNA position 215, C replaced by T.
Protein change: p.Thr72Ile; replaces threonine 72 with isoleucine.
Molecular consequence: missense variant. On other transcripts: 5 prime UTR variant (5).
Genome position (GRCh38, 1-based): chr14:58,429,378, C>T. VCF-style: chr14-58429378-C-T. GRCh37 (hg19) VCF-style: chr14-58896096-C-T.
Other names: c.215C>T (NM_014749.3); c.-41C>T (NM_001329945.2, NM_001364700.1, NM_001364701.2 and 2 more transcripts); c.215C>T, p.Thr72Ile (NM_001329946.2, NM_001329947.2, NM_014749.5 and 1 more transcripts); c.251C>T, p.Thr84Ile (NM_001244189.2); c.170C>T, p.Thr57Ile (NM_001244190.2); short protein forms T57I, T72I, T84I.
Identifiers: ClinVar variation 1004943 (VCV001004943.7), dbSNP rs201393625, ClinGen allele CA7205302.